The following is an entry in ClinVar:

ClinVar aggregate classification (germline): Uncertain significance (1 of 4 stars; one submission).

Submission:

GeneDx
Classification: Uncertain significance. Last evaluated: 2024-10-02. Review status: criteria provided, single submitter. Criteria: GeneDx Variant Classification Process June 2021. Collection method: clinical testing. Allele origin: germline. Affected: yes.
Comment: Has not been previously published as pathogenic or benign to our knowledge; Not observed at significant frequency in large population cohorts (gnomAD); In silico analysis supports that this missense variant has a deleterious effect on protein structure/function

NM_001353921.2(ARHGEF9):c.629A>T (p.Asp210Val)

Gene: ARHGEF9 (Cdc42 guanine nucleotide exchange factor 9; minus strand). Cytogenetic location: Xq11.1.
Variant type: single nucleotide variant.
Coding change: c.629A>T on transcript NM_001353921.2 (MANE Select); coding-DNA position 629, A replaced by T.
Protein change: p.Asp210Val; replaces aspartic acid 210 with valine.
Molecular consequence: missense variant.
Genome position (GRCh38, 1-based): chrX:63,678,526, T>A on the plus strand (A>T on the coding strand, the complement: ARHGEF9 is on the minus strand). VCF-style: chrX-63678526-T-A. GRCh37 (hg19) VCF-style: chrX-62898406-T-A.
Other names: c.449A>T, p.Asp150Val (NM_001173479.2); c.302A>T, p.Asp101Val (NM_001173480.2, NM_001369042.1); c.545A>T, p.Asp182Val (NM_001330495.2, NM_001353927.2, NM_001369033.1 and 8 more transcripts); c.629A>T, p.Asp210Val (NM_001353922.2); c.647A>T, p.Asp216Val (NM_001353923.1); c.428A>T, p.Asp143Val (NM_001353924.2, NM_001353926.2, NM_001369039.1 and 1 more transcripts); c.608A>T, p.Asp203Val (NM_001353928.2, NM_001369030.1, NM_001369031.1 and 2 more transcripts); c.194A>T, p.Asp65Val (NM_001369045.1); short protein forms D101V, D143V, D150V, D182V, D203V, D210V, D216V, D65V.
Identifiers: ClinVar variation 3776342 (VCV003776342.1).